The following is an entry in ClinVar:

NM_000051.4(ATM):c.3225A>C (p.Thr1075=)

Gene: ATM (ATM serine/threonine kinase; plus strand). Cytogenetic location: 11q22.3.
Variant type: single nucleotide variant.
Coding change: c.3225A>C on transcript NM_000051.4 (MANE Select); coding-DNA position 3225, A replaced by C.
Protein change: p.Thr1075=; no amino-acid change (threonine 1075 retained).
Molecular consequence: synonymous variant.
Genome position (GRCh38, 1-based): chr11:108,272,793, A>C. VCF-style: chr11-108272793-A-C. GRCh37 (hg19) VCF-style: chr11-108143520-A-C.
Other names: c.3225A>C, p.Thr1075= (NM_001351834.2).
Identifiers: ClinVar variation 1729111 (VCV001729111.6), dbSNP rs1555086107, ClinGen allele CA476745120.

ClinVar aggregate classification (germline): Benign/Likely benign. Review status: criteria provided, multiple submitters, no conflicts (2 of 4 stars). 3 submissions from 3 submitters: Benign (1); Likely benign (2). Last evaluated 2024-05-14.

Conditions:
Ataxia-telangiectasia syndrome (AT). Also called: LOUIS-BAR SYNDROME; Cerebello-oculocutaneous telangiectasia; Immunodeficiency with ataxia telangiectasia; Ataxia-telangiectasia, complementation group D; AT, COMPLEMENTATION GROUP C; ATAXIA-TELANGIECTASIA, COMPLEMENTATION GROUP A. Identifiers: Orphanet 100, MedGen C0004135, MONDO:0008840, OMIM 208900.
Hereditary cancer-predisposing syndrome. Also called: Neoplastic Syndromes, Hereditary; Tumor predisposition; Hereditary Cancer Syndrome; Hereditary neoplastic syndrome. Identifiers: Orphanet 140162, MedGen C0027672, MeSH D009386, MONDO:0015356.
Familial cancer of breast. Also called: BREAST CANCER, FAMILIAL; Hereditary breast cancer; hereditary breast carcinoma. Identifiers: Orphanet 227535, MedGen C0346153, MONDO:0016419, OMIM 114480. Disease mechanism: loss of function.

Submissions (3):

Myriad Genetics, Inc.
Classification: Benign for Familial cancer of breast. Last evaluated: 2024-05-14. Review status: criteria provided, single submitter. Criteria: Myriad Autosomal Dominant, Autosomal Recessive and X-Linked Classification Criteria (2023). Collection method: clinical testing. Allele origin: unknown.
Comment: This variant is considered benign. This variant is a silent/synonymous amino acid change and it is not expected to impact splicing.

Labcorp Genetics (formerly Invitae), Labcorp
Classification: Likely benign for Ataxia-telangiectasia syndrome. Last evaluated: 2023-02-15. Review status: criteria provided, single submitter. Criteria: Invitae Variant Classification Sherloc (09022015). Collection method: clinical testing. Allele origin: germline.

Ambry Genetics
Classification: Likely benign for Hereditary cancer-predisposing syndrome. Last evaluated: 2021-02-14. Review status: criteria provided, single submitter. Criteria: Ambry Variant Classification Scheme 2023. Collection method: clinical testing. Allele origin: germline.